The following is an entry in ClinVar:

ClinVar aggregate classification (germline): Uncertain significance (1 of 4 stars; one submission).

Conditions:
Inborn genetic diseases. Identifiers: MedGen C0950123, MeSH D030342.

gnomAD v4.1: 8 of 1,614,090 alleles (0.0005%); highest among the groups gnomAD compares: Non-Finnish European, 0.00042%; no homozygotes.

Submission:

Ambry Genetics
Classification: Uncertain significance for Inborn genetic diseases. Last evaluated: 2025-01-06. Review status: criteria provided, single submitter. Criteria: Ambry Variant Classification Scheme 2023. Collection method: clinical testing. Allele origin: germline.
Comment: The p.M525I variant (also known as c.1575G>A), located in coding exon 11 of the BMPR2 gene, results from a G to A substitution at nucleotide position 1575. The methionine at codon 525 is replaced by isoleucine, an amino acid with highly similar properties. This amino acid position is conserved. In addition, this alteration is predicted to be tolerated by in silico analysis. Based on the available evidence, the clinical significance of this variant remains unclear.

NM_001204.7(BMPR2):c.1575G>A (p.Met525Ile)

Gene: BMPR2 (bone morphogenetic protein receptor type 2; plus strand). Cytogenetic location: 2q33.2.
Variant type: single nucleotide variant.
Coding change: c.1575G>A on transcript NM_001204.7 (MANE Select); coding-DNA position 1575, G replaced by A.
Protein change: p.Met525Ile; replaces methionine 525 with isoleucine.
Molecular consequence: missense variant.
Genome position (GRCh38, 1-based): chr2:202,552,877, G>A. VCF-style: chr2-202552877-G-A. GRCh37 (hg19) VCF-style: chr2-203417600-G-A.
Other names: short protein forms M525I.
Identifiers: ClinVar variation 3824814 (VCV003824814.1).